The following is an entry in ClinVar:

NM_016107.5(ZFR):c.1475T>C (p.Met492Thr)

Gene: ZFR (zinc finger RNA binding protein; minus strand). Cytogenetic location: 5p13.3.
Variant type: single nucleotide variant.
Coding change: c.1475T>C on transcript NM_016107.5 (MANE Select); coding-DNA position 1475, T replaced by C.
Protein change: p.Met492Thr; replaces methionine 492 with threonine.
Molecular consequence: missense variant. On other transcripts: non-coding transcript variant (1).
Genome position (GRCh38, 1-based): chr5:32,403,147, A>G on the plus strand (T>C on the coding strand, the complement: ZFR is on the minus strand). VCF-style: chr5-32403147-A-G. GRCh37 (hg19) VCF-style: chr5-32403252-A-G.
Other names: short protein forms M492T.
Identifiers: ClinVar variation 654520 (VCV000654520.9), dbSNP rs761152180, ClinGen allele CA3221822.
Genomic context (GRCh38, chr5:32,403,147, plus strand): 5'-AGAGAATATCAGTACTTGCCAACAAAATTTATTTTGGGGGTAGATGTTTTCTTGGCAGCC[A>G]TATTTGTAGGCACTGCTGATACTTTAGTGTTAGATGTGCTATTAAGAGACGAGTTTCCTG-3'
Protein context (NP_057191.2, residues 482-502): NTKVSAVPTN[Met492Thr]AAKKTSTPKI

ClinVar aggregate classification (germline): Uncertain significance (1 of 4 stars; one submission).

Conditions:
Pure or complex autosomal recessive spastic paraplegia. Identifiers: Orphanet 320346, MedGen C5679887, MONDO:0017915.

Allele frequency attached by ClinVar (database versions not stated): gnomAD exomes below 0.00001 and 0.00001; ExAC 0.00001; TOPMed 0.00001.
gnomAD v4.1: 5 of 1,614,164 alleles (0.00031%); highest among the groups gnomAD compares: South Asian, 0.0044%; no homozygotes.

Submission:

Labcorp Genetics (formerly Invitae), Labcorp
Classification: Uncertain significance for Pure or complex autosomal recessive spastic paraplegia. Last evaluated: 2020-01-27. Review status: criteria provided, single submitter. Criteria: Invitae Variant Classification Sherloc (09022015). Collection method: clinical testing. Allele origin: germline.
Comment: In summary, the available evidence is currently insufficient to determine the role of this variant in disease. Therefore, it has been classified as a Variant of Uncertain Significance. Algorithms developed to predict the effect of missense changes on protein structure and function are either unavailable or do not agree on the potential impact of this missense change (SIFT: "Tolerated"; PolyPhen-2: "Not Available"; Align-GVGD: "Class C0"). This variant has not been reported in the literature in individuals with ZFR-related disease. This variant is present in population databases (rs761152180, ExAC 0.006%). This sequence change replaces methionine with threonine at codon 492 of the ZFR protein (p.Met492Thr). The methionine residue is moderately conserved and there is a moderate physicochemical difference between methionine and threonine.